The following is an entry in ClinVar:

NM_021012.5(KCNJ12):c.315C>T (p.Ile105=)

Gene: KCNJ12 (potassium inwardly rectifying channel subfamily J member 12; plus strand). Cytogenetic location: 17p11.2.
Variant type: single nucleotide variant.
Coding change: c.315C>T on transcript NM_021012.5 (MANE Select); coding-DNA position 315, C replaced by T.
Protein change: p.Ile105=; no amino-acid change (isoleucine 105 retained).
Molecular consequence: synonymous variant.
Genome position (GRCh38, 1-based): chr17:21,415,657, C>T. VCF-style: chr17-21415657-C-T. GRCh37 (hg19) VCF-style: chr17-21318969-C-T.
Identifiers: ClinVar variation 3060196 (VCV003060196.2), dbSNP rs79666990, ClinGen allele CA8451069.

ClinVar aggregate classification (germline): Benign (0 of 4 stars; one submission).

Conditions:
KCNJ12-related disorder. Also called: KCNJ12-related condition.

Allele frequency attached by ClinVar (database versions not stated): 1000 Genomes Project 0.00020; ExAC 0.45795.

Submission:

PreventionGenetics, part of Exact Sciences
Classification: Benign for KCNJ12-related condition. Last evaluated: 2019-10-17. Review status: no assertion criteria provided. Collection method: clinical testing. Allele origin: germline.
Comment: This variant is classified as benign based on ACMG/AMP sequence variant interpretation guidelines (Richards et al. 2015 PMID: 25741868, with internal and published modifications).